The following is an entry in ClinVar:

NM_001127198.5(TMC6):c.1261C>A (p.Pro421Thr)

Gene: TMC6 (transmembrane channel like 6; minus strand). Cytogenetic location: 17q25.3.
Variant type: single nucleotide variant.
Coding change: c.1261C>A on transcript NM_001127198.5 (MANE Select); coding-DNA position 1261, C replaced by A.
Protein change: p.Pro421Thr; replaces proline 421 with threonine.
Molecular consequence: missense variant.
Genome position (GRCh38, 1-based): chr17:78,121,678, G>T on the plus strand (C>A on the coding strand, the complement: TMC6 is on the minus strand). VCF-style: chr17-78121678-G-T. GRCh37 (hg19) VCF-style: chr17-76117759-G-T.
Other names: c.1261C>A, p.Pro421Thr (NM_001321185.1, NM_001374593.1, NM_001374594.1 and 4 more transcripts); short protein forms P421T.
Identifiers: ClinVar variation 938843 (VCV000938843.10), dbSNP rs1393120573, ClinGen allele CA401230129.

ClinVar aggregate classification (germline): Uncertain significance (1 of 4 stars; one submission).

Conditions:
Epidermodysplasia verruciformis. Identifiers: Orphanet 302, MedGen C0014522, MONDO:0009176.

Allele frequency attached by ClinVar (database versions not stated): gnomAD exomes below 0.00001 and 0.00003; gnomAD 0.00001; TOPMed 0.00001.
gnomAD v4.1: 46 of 1,594,466 alleles (0.0029%); highest among the groups gnomAD compares: Non-Finnish European, 0.0038%; no homozygotes.

Submission:

Labcorp Genetics (formerly Invitae), Labcorp
Classification: Uncertain significance for Epidermodysplasia verruciformis. Last evaluated: 2022-02-12. Review status: criteria provided, single submitter. Criteria: Invitae Variant Classification Sherloc (09022015). Collection method: clinical testing. Allele origin: germline.
Comment: In summary, the available evidence is currently insufficient to determine the role of this variant in disease. Therefore, it has been classified as a Variant of Uncertain Significance. Algorithms developed to predict the effect of missense changes on protein structure and function are either unavailable or do not agree on the potential impact of this missense change (SIFT: "Not Available"; PolyPhen-2: "Benign"; Align-GVGD: "Not Available"). ClinVar contains an entry for this variant (Variation ID: 938843). This variant has not been reported in the literature in individuals affected with TMC6-related conditions. This variant is present in population databases (no rsID available, gnomAD 0.001%). This sequence change replaces proline, which is neutral and non-polar, with threonine, which is neutral and polar, at codon 421 of the TMC6 protein (p.Pro421Thr).